The following is an entry in ClinVar:

NM_015909.4(NBAS):c.3706C>T (p.Arg1236Ter)

Gene: NBAS (NBAS subunit of NRZ tethering complex; minus strand). Cytogenetic location: 2p24.3.
Variant type: single nucleotide variant.
Coding change: c.3706C>T on transcript NM_015909.4 (MANE Select); coding-DNA position 3706, C replaced by T.
Protein change: p.Arg1236Ter; replaces arginine 1236 with a stop codon.
Molecular consequence: nonsense. On other transcripts: non-coding transcript variant (1).
Genome position (GRCh38, 1-based): chr2:15,366,691, G>A on the plus strand (C>T on the coding strand, the complement: NBAS is on the minus strand). VCF-style: chr2-15366691-G-A. GRCh37 (hg19) VCF-style: chr2-15506815-G-A.
Other names: short protein forms R1236*.
Identifiers: ClinVar variation 2988958 (VCV002988958.5), dbSNP rs767084659, ClinGen allele CA1535933.

ClinVar aggregate classification (germline): Pathogenic/Likely pathogenic. Review status: criteria provided, multiple submitters, no conflicts (2 of 4 stars). 3 submissions from 3 submitters: Pathogenic (2); Likely pathogenic (1). Last evaluated 2024-12-23.

Conditions:
Short stature-optic atrophy-Pelger-Huët anomaly syndrome. Also called: Short stature-optic atrophy-Pelger-HuC+t anomaly syndrome; Short stature, optic nerve atrophy, and Pelger-Huet anomaly. Identifiers: Orphanet 391677, MedGen C3541319, MONDO:0013889, OMIM 614800.
Infantile liver failure syndrome 2 (ILFS2). Identifiers: MedGen C3809651, MONDO:0014659, OMIM 616483.

Allele frequency attached by ClinVar (database versions not stated): gnomAD exomes below 0.00001; ExAC 0.00001; TOPMed 0.00001.
gnomAD v4.1: 7 of 1,613,482 alleles (0.00043%); highest among the groups gnomAD compares: East Asian, 0.0045%; no homozygotes.

Submissions (3):

Labcorp Genetics (formerly Invitae), Labcorp
Classification: Pathogenic. Last evaluated: 2024-12-23. Review status: criteria provided, single submitter. Criteria: Invitae Variant Classification Sherloc (09022015). Collection method: clinical testing. Allele origin: germline.
Comment: This sequence change creates a premature translational stop signal (p.Arg1236*) in the NBAS gene. It is expected to result in an absent or disrupted protein product. Loss-of-function variants in NBAS are known to be pathogenic (PMID: 26073778, 26541327, 27789416, 28031453). This variant is present in population databases (rs767084659, gnomAD 0.006%). This variant has not been reported in the literature in individuals affected with NBAS-related conditions. ClinVar contains an entry for this variant (Variation ID: 2988958). For these reasons, this variant has been classified as Pathogenic.

Fulgent Genetics
Classification: Likely pathogenic for Short stature-optic atrophy-Pelger-Huët anomaly syndrome; Infantile liver failure syndrome 2. Last evaluated: 2024-06-25. Review status: criteria provided, single submitter. Criteria: ACMG Guidelines, 2015. Collection method: clinical testing. Allele origin: germline.

3billion
Classification: Pathogenic for Short stature-optic atrophy-Pelger-Huët anomaly syndrome. Last evaluated: 2024-06-17. Review status: criteria provided, single submitter. Criteria: ACMG Guidelines, 2015. Collection method: clinical testing. Allele origin: germline. Affected: yes.
Comment: The variant is observed at an extremely low frequency in the gnomAD v4.0.0 dataset (total allele frequency: <0.001%). Predicted Consequence/Location: Stop-gained (nonsense): predicted to result in a loss or disruption of normal protein function through nonsense-mediated decay (NMD) or protein truncation. Multiple pathogenic variants are reported downstream of the variant. The variant has been reported to be associated with NBAS related disorder (ClinVar ID: VCV002988958). Therefore, this variant is classified as Pathogenic according to the recommendation of ACMG/AMP guideline.

Literature cited by the submitters: PubMed 26073778 (cited by Labcorp Genetics (formerly Invitae), Labcorp); PubMed 26541327 (cited by Labcorp Genetics (formerly Invitae), Labcorp); PubMed 27789416 (cited by Labcorp Genetics (formerly Invitae), Labcorp); PubMed 28031453 (cited by Labcorp Genetics (formerly Invitae), Labcorp).